The following is an entry in ClinVar:

NM_003803.4(MYOM1):c.1737dup (p.Tyr580fs)

Gene: MYOM1 (myomesin 1; minus strand). Cytogenetic location: 18p11.31.
Variant type: Duplication.
Coding change: c.1737dup on transcript NM_003803.4 (MANE Select); coding-DNA position 1737, one base duplicated (C; older notation c.1737dupC).
Protein change: p.Tyr580fs; shifts the reading frame from tyrosine 580.
Molecular consequence: frameshift variant.
Genome position (GRCh38, 1-based): chr18:3,151,800, G duplicated on the plus strand (C on the coding strand, the reverse complement: MYOM1 is on the minus strand); the first of 2 consecutive G bases (chr18:3,151,800-3,151,801); duplicating either gives the same sequence. VCF-style (leftmost placement, unchanged base first): chr18-3151799-A-AG. GRCh37 (hg19) VCF-style: chr18-3151797-A-AG.
Other names: c.1737dup, p.Tyr580fs (NM_019856.2); short protein forms Y580fs.
Identifiers: ClinVar variation 810765 (VCV000810765.2), dbSNP rs1598726218, ClinGen allele CA915952266.
Genomic context (GRCh38, chr18:3,151,799, plus strand): 5'-CGGAAACTCGAGATGGGAAACCTATTCCCATTTTATTCACAGCTCGAACTCGGAAGATAT[A>AG]GGAACGACCTTCGATCAATCCAGTGACAGGAAAACGAGCAAACTTCACAGGTGTGTCATT-3'

ClinVar aggregate classification (germline): Uncertain significance (1 of 4 stars; one submission).

Conditions:
Hypertrophic cardiomyopathy. Also called: HYPERTROPHIC MYOCARDIOPATHY. Identifiers: Orphanet 217569, MedGen C0007194, MeSH D002312, MONDO:0005045, HP:0001639.

Submission:

Agnes Ginges Centre for Molecular Cardiology, Centenary Institute
Classification: Uncertain significance for Hypertrophic cardiomyopathy. Last evaluated: 2018-10-15. Review status: criteria provided, single submitter. Criteria: ACMG Guidelines, 2015. Collection method: research. Allele origin: germline. Inheritance: Autosomal dominant inheritance. Affected: yes.
Comment: MYOM1 Tyr580Leufs*10 has not been previously reported and is absent from the Genome Aggregation Database. Based on this information we classify this as a variant of 'uncertain significance'.